The following is an entry in ClinVar:

NM_000051.4(ATM):c.7762C>T (p.Pro2588Ser)

Genes: ATM (ATM serine/threonine kinase; plus strand), C11orf65 (chromosome 11 open reading frame 65; minus strand). Cytogenetic location: 11q22.3.
Variant type: single nucleotide variant.
Coding change: c.7762C>T on transcript NM_000051.4 (MANE Select); coding-DNA position 7762, C replaced by T.
Protein change: p.Pro2588Ser; replaces proline 2588 with serine.
Molecular consequence: missense variant. On other transcripts: intron variant (2).
Genome position (GRCh38, 1-based): chr11:108,332,011, C>T. VCF-style: chr11-108332011-C-T. GRCh37 (hg19) VCF-style: chr11-108202738-C-T.
Other names: c.7762C>T, p.Pro2588Ser (NM_001351834.2); c.641-22940G>A (NM_001330368.2); c.*38+3209G>A (NM_001351110.2); short protein forms P2588S.
Identifiers: ClinVar variation 4747264 (VCV004747264.1).
Genomic context (GRCh38, chr11:108,332,011, plus strand): 5'-AGAGATGAATTTCTGACTAAACCAGAGGTAGCCAGAAGAAGCAGAATAACTAAAAATGTG[C>T]CTAAACAAAGCTCTCAGCTTGATGAGGTATTTGGATTAAACATACGTACCTTTTAGAAGT-3'
Protein context (NP_000042.3, residues 2578-2598): ARRSRITKNV[Pro2588Ser]KQSSQLDEDR

ClinVar aggregate classification (germline): Uncertain significance (1 of 4 stars; one submission).

Conditions:
Ataxia-telangiectasia syndrome (AT). Also called: LOUIS-BAR SYNDROME; Cerebello-oculocutaneous telangiectasia; Immunodeficiency with ataxia telangiectasia; Ataxia-telangiectasia, complementation group D; AT, COMPLEMENTATION GROUP C; ATAXIA-TELANGIECTASIA, COMPLEMENTATION GROUP A. Identifiers: Orphanet 100, MedGen C0004135, MONDO:0008840, OMIM 208900.

Submission:

Labcorp Genetics (formerly Invitae), Labcorp
Classification: Uncertain significance for Ataxia-telangiectasia syndrome. Last evaluated: 2025-08-28. Review status: criteria provided, single submitter. Criteria: Invitae Variant Classification Sherloc (09022015). Collection method: clinical testing. Allele origin: germline.
Comment: This sequence change replaces proline, which is neutral and non-polar, with serine, which is neutral and polar, at codon 2588 of the ATM protein (p.Pro2588Ser). The frequency data for this variant in the population databases is considered unreliable, as metrics indicate poor data quality at this position in the gnomAD database. This variant has not been reported in the literature in individuals affected with ATM-related conditions. Invitae Evidence Modeling of protein sequence and biophysical properties (such as structural, functional, and spatial information, amino acid conservation, physicochemical variation, residue mobility, and thermodynamic stability) indicates that this missense variant is not expected to disrupt ATM protein function with a negative predictive value of 95%. In summary, the available evidence is currently insufficient to determine the role of this variant in disease. Therefore, it has been classified as a Variant of Uncertain Significance.